The following is an entry in ClinVar:

NM_004947.5(DOCK3):c.1648-6C>T

Gene: DOCK3 (dedicator of cytokinesis 3; plus strand). Cytogenetic location: 3p21.2.
Variant type: single nucleotide variant.
Coding change: c.1648-6C>T on transcript NM_004947.5 (MANE Select); 6 bases into the intron before coding-DNA position 1648, C replaced by T.
Molecular consequence: intron variant.
Genome position (GRCh38, 1-based): chr3:51,228,655, C>T. VCF-style: chr3-51228655-C-T. GRCh37 (hg19) VCF-style: chr3-51266086-C-T.
Identifiers: ClinVar variation 668638 (VCV000668638.33), dbSNP rs200745358, ClinGen allele CA2420996.

ClinVar aggregate classification (germline): Benign/Likely benign. Review status: criteria provided, multiple submitters, no conflicts (2 of 4 stars). 6 submissions from 6 submitters: Benign (1); Likely benign (4). 1 of the submissions does not count toward it. Last evaluated 2024-11-26.

Conditions:
DOCK3-related disorder. Also called: DOCK3-related condition.

Allele frequency attached by ClinVar (database versions not stated): 1000 Genomes Project 0.00100; TOPMed 0.00102; 1000 Genomes Project 30x 0.00109; ExAC 0.00109; gnomAD 0.00114 and 0.00118; gnomAD exomes 0.00118 and 0.00165; ESP Exome Variant Server 0.00132.
gnomAD v4.1: 2,592 of 1,606,392 alleles (0.16%); highest among the groups gnomAD compares: Middle Eastern, 0.54%; 6 homozygotes.

Submissions (6):

Blueprint Genetics
Classification: Likely benign. Last evaluated: 2024-11-26. Review status: criteria provided, single submitter. Criteria: ACMG Guidelines, 2015. Collection method: clinical testing. Allele origin: germline.

CeGaT Center for Human Genetics Tuebingen
Classification: Likely benign. Last evaluated: 2023-11-01. Review status: criteria provided, single submitter. Criteria: CeGaT Center For Human Genetics Tuebingen Variant Classification Criteria Version 2. Collection method: clinical testing. Allele origin: germline. Affected: yes. Observed: 2 variant alleles.
Comment: DOCK3: BP4, BS2

Labcorp Genetics (formerly Invitae), Labcorp
Classification: Benign. Last evaluated: 2019-12-31. Review status: criteria provided, single submitter. Criteria: Invitae Variant Classification Sherloc (09022015). Collection method: clinical testing. Allele origin: germline.

GeneDx
Classification: Likely benign. Last evaluated: 2018-05-25. Review status: criteria provided, single submitter. Criteria: GeneDx Variant Classification (06012015). Collection method: clinical testing. Allele origin: germline. Affected: yes.
Comment: This variant is considered likely benign or benign based on one or more of the following criteria: it is a conservative change, it occurs at a poorly conserved position in the protein, it is predicted to be benign by multiple in silico algorithms, and/or has population frequency not consistent with disease.

Breakthrough Genomics
Classification: Likely benign. Review status: criteria provided, single submitter. Criteria: ACMG Guidelines, 2015. Collection method: not provided. Allele origin: germline. Inheritance: Autosomal recessive inheritance. Affected: yes.

PreventionGenetics, part of Exact Sciences
Classification: Likely benign for DOCK3-related condition. Last evaluated: 2019-08-13. Review status: no assertion criteria provided. Collection method: clinical testing. Allele origin: germline. Not counted in ClinVar's aggregate classification.
Comment: This variant is classified as likely benign based on ACMG/AMP sequence variant interpretation guidelines (Richards et al. 2015 PMID: 25741868, with internal and published modifications).